The following is an entry in ClinVar:

NM_001371986.1(UNC80):c.9667G>A (p.Ala3223Thr)

Gene: UNC80 (unc-80 subunit of NALCN channel complex; plus strand). Cytogenetic location: 2q34.
Variant type: single nucleotide variant.
Coding change: c.9667G>A on transcript NM_001371986.1 (MANE Select); coding-DNA position 9667, G replaced by A.
Protein change: p.Ala3223Thr; replaces alanine 3223 with threonine.
Molecular consequence: missense variant.
Genome position (GRCh38, 1-based): chr2:209,994,223, G>A. VCF-style: chr2-209994223-G-A. GRCh37 (hg19) VCF-style: chr2-210858947-G-A.
Other names: c.9469G>A, p.Ala3157Thr (NM_032504.2); c.9397G>A, p.Ala3133Thr (NM_182587.4); short protein forms A3157T, A3223T, A3133T.
Identifiers: ClinVar variation 1494782 (VCV001494782.8), dbSNP rs200385752, ClinGen allele CA64665476.

ClinVar aggregate classification (germline): Uncertain significance. Review status: criteria provided, multiple submitters, no conflicts (2 of 4 stars). 2 submissions from 2 submitters: Uncertain significance (2). Last evaluated 2025-05-02.

Allele frequency attached by ClinVar (database versions not stated): gnomAD 0.00001; gnomAD exomes 0.00001 and below 0.00001; TOPMed below 0.00001.
gnomAD v4.1: 6 of 1,550,970 alleles (0.00039%); highest among the groups gnomAD compares: South Asian, 0.0024%; no homozygotes.

Submissions (2):

Labcorp Genetics (formerly Invitae), Labcorp
Classification: Uncertain significance. Last evaluated: 2025-05-02. Review status: criteria provided, single submitter. Criteria: Invitae Variant Classification Sherloc (09022015). Collection method: clinical testing. Allele origin: germline.
Comment: This sequence change replaces alanine, which is neutral and non-polar, with threonine, which is neutral and polar, at codon 3157 of the UNC80 protein (p.Ala3157Thr). The frequency data for this variant in the population databases is considered unreliable, as metrics indicate poor data quality at this position in the gnomAD database. This variant has not been reported in the literature in individuals affected with UNC80-related conditions. ClinVar contains an entry for this variant (Variation ID: 1494782). Invitae Evidence Modeling of protein sequence and biophysical properties (such as structural, functional, and spatial information, amino acid conservation, physicochemical variation, residue mobility, and thermodynamic stability) indicates that this missense variant is not expected to disrupt UNC80 protein function with a negative predictive value of 80%. In summary, the available evidence is currently insufficient to determine the role of this variant in disease. Therefore, it has been classified as a Variant of Uncertain Significance.

GeneDx
Classification: Uncertain significance. Last evaluated: 2023-08-24. Review status: criteria provided, single submitter. Criteria: GeneDx Variant Classification Process June 2021. Collection method: clinical testing. Allele origin: germline.
Comment: Not observed at significant frequency in large population cohorts (gnomAD); In silico analysis supports that this missense variant does not alter protein structure/function; Has not been previously published as pathogenic or benign to our knowledge